The following is an entry in ClinVar:

ClinVar aggregate classification (germline): Uncertain significance (1 of 4 stars; one submission).

Allele frequency attached by ClinVar (database versions not stated): gnomAD 0.00001; gnomAD exomes 0.00001; TOPMed 0.00001.
gnomAD v4.1: 11 of 1,614,018 alleles (0.00068%); highest among the groups gnomAD compares: East Asian, 0.0022%; no homozygotes.

Submission:

CeGaT Center for Human Genetics Tuebingen
Classification: Uncertain significance. Last evaluated: 2023-03-01. Review status: criteria provided, single submitter. Criteria: CeGaT Center For Human Genetics Tuebingen Variant Classification Criteria Version 2. Collection method: clinical testing. Allele origin: germline. Affected: yes. Observed: 1 variant allele.
Comment: MYO1F: PM2, PP3

NM_012335.4(MYO1F):c.469G>A (p.Ala157Thr)

Gene: MYO1F (myosin IF; minus strand). Cytogenetic location: 19p13.2.
Variant type: single nucleotide variant.
Coding change: c.469G>A on transcript NM_012335.4 (MANE Select); coding-DNA position 469, G replaced by A.
Protein change: p.Ala157Thr; replaces alanine 157 with threonine.
Molecular consequence: missense variant.
Genome position (GRCh38, 1-based): chr19:8,553,174, C>T on the plus strand (G>A on the coding strand, the complement: MYO1F is on the minus strand). VCF-style: chr19-8553174-C-T. GRCh37 (hg19) VCF-style: chr19-8618058-C-T.
Other names: c.469G>A, p.Ala157Thr (NM_001348355.2); short protein forms A157T.
Identifiers: ClinVar variation 2649209 (VCV002649209.24), dbSNP rs1013283787, ClinGen allele CA305004489.
Genomic context (GRCh38, chr19:8,553,174, plus strand): 5'-TCCAAGCAGGTCTGCAGAGACTTACAAAGCGGCTGGAATTGTTGTTGCGCACAGTCTTGG[C>T]GTTGCCGAAGGCCTCGAGCAGCGGGTTGGACTGCAGGATGATATCTTTGACGTGCTGGGG-3'
Protein context (NP_036467.2, residues 147-167): SNPLLEAFGN[Ala157Thr]KTVRNNNSSR